The following is an entry in ClinVar:

ClinVar aggregate classification (germline): Uncertain significance. Review status: criteria provided, multiple submitters, no conflicts (2 of 4 stars). 2 submissions from 2 submitters: Uncertain significance (2). Last evaluated 2026-08-20.

Conditions:
ARID1A-related disorder. Also called: ARID1A-related condition.

Allele frequency attached by ClinVar (database versions not stated): TOPMed below 0.00001.

Submissions (2):

PreventionGenetics, part of Exact Sciences
Classification: Uncertain significance for ARID1A-related condition. Last evaluated: 2026-08-20. Review status: criteria provided, single submitter. Criteria: ACMG Guidelines, 2015. Collection method: clinical testing. Allele origin: germline.
Comment: The ARID1A c.5812_5814delAAG variant is predicted to result in an in-frame deletion (p.Lys1938del). To our knowledge, this variant has not been reported in the literature or in a large population database (gnomAD), indicating this variant is rare. At this time, the clinical significance of this variant is uncertain due to the absence of conclusive functional and genetic evidence.

Labcorp Genetics (formerly Invitae), Labcorp
Classification: Uncertain significance. Last evaluated: 2023-05-06. Review status: criteria provided, single submitter. Criteria: Invitae Variant Classification Sherloc (09022015). Collection method: clinical testing. Allele origin: germline.
Comment: In summary, the available evidence is currently insufficient to determine the role of this variant in disease. Therefore, it has been classified as a Variant of Uncertain Significance. Experimental studies and prediction algorithms are not available or were not evaluated, and the functional significance of this variant is currently unknown. This variant has not been reported in the literature in individuals affected with ARID1A-related conditions. This variant is not present in population databases (gnomAD no frequency). This variant, c.5812_5814del, results in the deletion of 1 amino acid(s) of the ARID1A protein (p.Lys1938del), but otherwise preserves the integrity of the reading frame.

NM_006015.6(ARID1A):c.5812_5814del (p.Lys1938del)

Gene: ARID1A (AT-rich interaction domain 1A; plus strand). Cytogenetic location: 1p36.11.
Variant type: Deletion.
Coding change: c.5812_5814del on transcript NM_006015.6 (MANE Select); coding-DNA positions 5812 to 5814, 3 bases deleted (AAG; older notation c.5812_5814delAAG).
Protein change: p.Lys1938del; deletes lysine 1938.
Molecular consequence: inframe deletion.
Genome position (GRCh38, 1-based): chr1:26,779,710-26,779,712, AAG deleted. VCF-style (leftmost placement, unchanged base first): chr1-26779709-CAAG-C. GRCh37 (hg19) VCF-style: chr1-27106200-CAAG-C.
Other names: c.5161_5163del, p.Lys1721del (NM_139135.4); short protein forms K1721del, K1938del.
Identifiers: ClinVar variation 2904961 (VCV002904961.4), dbSNP rs2081173241, ClinGen allele CA1160218197.